The following is an entry in ClinVar:

NM_001082486.2(ACD):c.160G>T (p.Val54Phe)

Gene: ACD (ACD shelterin complex subunit and telomerase recruitment factor; minus strand). Cytogenetic location: 16q22.1.
Variant type: single nucleotide variant.
Coding change: c.160G>T on transcript NM_001082486.2 (MANE Select); coding-DNA position 160, G replaced by T.
Protein change: p.Val54Phe; replaces valine 54 with phenylalanine.
Molecular consequence: missense variant.
Genome position (GRCh38, 1-based): chr16:67,659,985, C>A on the plus strand (G>T on the coding strand, the complement: ACD is on the minus strand). VCF-style: chr16-67659985-C-A. GRCh37 (hg19) VCF-style: chr16-67693888-C-A.
Other names: c.160G>T, p.Val54Phe (NM_001410884.1); c.151G>T, p.Val51Phe (NM_022914.3); short protein forms V51F, V54F.
Identifiers: ClinVar variation 3480315 (VCV003480315.1).

ClinVar aggregate classification (germline): Uncertain significance (1 of 4 stars; one submission).

Conditions:
Inborn genetic diseases. Identifiers: MedGen C0950123, MeSH D030342.

gnomAD v4.1: 1 of 1,609,058 alleles (0.000062%); highest among the groups gnomAD compares: Non-Finnish European, 0.000085%; no homozygotes.

Submission:

Ambry Genetics
Classification: Uncertain significance for Inborn genetic diseases. Last evaluated: 2024-09-27. Review status: criteria provided, single submitter. Criteria: Ambry Variant Classification Scheme 2023. Collection method: clinical testing. Allele origin: germline.
Comment: The p.V140F variant (also known as c.418G>T), located in coding exon 2 of the ACD gene, results from a G to T substitution at nucleotide position 418. The valine at codon 140 is replaced by phenylalanine, an amino acid with highly similar properties. This amino acid position is conserved. In addition, this alteration is predicted to be tolerated by in silico analysis. Based on the available evidence, the clinical significance of this variant remains unclear.